The following is an entry in ClinVar:

ClinVar aggregate classification (germline): Uncertain significance (1 of 4 stars; one submission).

gnomAD v4.1: 28 of 1,534,940 alleles (0.0018%); highest among the groups gnomAD compares: Admixed American, 0.0039%; no homozygotes.

Submission:

Ambry Genetics
Classification: Uncertain significance. Last evaluated: 2026-03-26. Review status: criteria provided, single submitter. Criteria: Ambry Variant Classification Scheme 2023. Collection method: clinical testing. Allele origin: germline.
Comment: The c.640G>A (p.A214T) alteration is located in exon 5 (coding exon 5) of the PHC2 gene. This alteration results from a G to A substitution at nucleotide position 640, causing the alanine (A) at amino acid position 214 to be replaced by a threonine (T). Based on data from gnomAD, the A allele has an overall frequency of 0.003% (5/147030) total alleles studied. The highest observed frequency was 0.024% (1/4220) of Other alleles. Based on insufficient or conflicting evidence, the clinical significance of this alteration remains unclear.

NM_001385109.1(PHC2):c.640G>A (p.Ala214Thr)

Gene: PHC2 (polyhomeotic homolog 2; minus strand). Cytogenetic location: 1p35.1.
Variant type: single nucleotide variant.
Coding change: c.640G>A on transcript NM_001385109.1 (MANE Select); coding-DNA position 640, G replaced by A.
Protein change: p.Ala214Thr; replaces alanine 214 with threonine.
Molecular consequence: missense variant. On other transcripts: intron variant (3).
Genome position (GRCh38, 1-based): chr1:33,368,559, C>T on the plus strand (G>A on the coding strand, the complement: PHC2 is on the minus strand). VCF-style: chr1-33368559-C-T. GRCh37 (hg19) VCF-style: chr1-33834160-C-T.
Other names: c.577-1131G>A (NM_001330488.2, NM_001385122.1); c.706G>A, p.Ala236Thr (NM_001385112.1); c.640G>A, p.Ala214Thr (NM_001385119.1, NM_001385120.1, NM_001385121.1 and 1 more transcripts); c.333+3730G>A (NM_001385123.1); short protein forms A214T, A236T.
Identifiers: ClinVar variation 4861776 (VCV004861776.1).
Genomic context (GRCh38, chr1:33,368,559, plus strand): 5'-CCACCCCCCTGCCCTCCCACAAGCATGGAGTCCTCACCTGGGCGGGGGTGGGGGGCCGGG[C>T]GGGGGAGCCAGTGCCGAGCTCAGGCTGCACAGTAGCGACGGTGGCCGTGGGCGTGAAGAT-3'
Protein context (NP_001372038.1, residues 204-224): VQPELGTGSP[Ala214Thr]RPPTPAQVQN